The following is an entry in ClinVar:

NM_001267550.2(TTN):c.75034C>A (p.Arg25012=)

Genes: TTN (titin; minus strand), TTN-AS1 (TTN antisense RNA 1; plus strand). Cytogenetic location: 2q31.2.
Variant type: single nucleotide variant.
Coding change: c.75034C>A on transcript NM_001267550.2 (MANE Select); coding-DNA position 75034, C replaced by A.
Protein change: p.Arg25012=; no amino-acid change (arginine 25012 retained).
Molecular consequence: synonymous variant.
Genome position (GRCh38, 1-based): chr2:178,571,098, G>T on the plus strand (C>A on the coding strand, the complement: TTN is on the minus strand). VCF-style: chr2-178571098-G-T. GRCh37 (hg19) VCF-style: chr2-179435825-G-T.
Other names: c.70111C>A, p.Arg23371= (NM_001256850.1); c.47839C>A, p.Arg15947= (NM_003319.4); c.67330C>A, p.Arg22444= (NM_133378.4); c.48214C>A, p.Arg16072= (NM_133432.3); c.48415C>A, p.Arg16139= (NM_133437.4).
Identifiers: ClinVar variation 4076457 (VCV004076457.1).
Genomic context (GRCh38, chr2:178,571,098, plus strand): 5'-AGGTGGGTTTCTTCCACTGAAGAGTCACAGAATTCCTTGTGACAATGATTGCCTCTGGCC[G>T]TCCTGGTGGATCACATGGGTCACGAGCCACATAACATTCTGATACTTTACTCGGCTTGCC-3'
Protein context (NP_001254479.2, residues 25002-25022): VARDPCDPPG[Arg25012=]PEAIIVTRNS

ClinVar aggregate classification (germline): Likely benign (1 of 4 stars; one submission).

Submission:

Molecular Diagnostic Laboratory for Inherited Cardiovascular Disease, Montreal Heart Institute
Classification: Likely benign. Last evaluated: 2025-07-24. Review status: criteria provided, single submitter. Criteria: ACMG Guidelines, 2015. Collection method: clinical testing. Allele origin: germline. Affected: no.
Comment: BP7